The following is an entry in ClinVar:

ClinVar aggregate classification (germline): Uncertain significance (1 of 4 stars; one submission).

Conditions:
Oto-palato-digital syndrome, type II (OPD2). Also called: Otopalatodigital Syndrome Type 2 (FLNA-OPD2); FACIOPALATOOSSEOUS SYNDROME; OPD II SYNDROME; Otopalatodigital Syndrome, Type II. Identifiers: Orphanet 669, Orphanet 90652, MedGen C1844696, MONDO:0010571, OMIM 304120.
Heterotopia, periventricular, X-linked dominant (PVNH1). Also called: PERIVENTRICULAR NODULAR HETEROTOPIA 1; X-linked periventricular heterotopia; PERIVENTRICULAR NODULAR HETEROTOPIA 4; HETEROTOPIA, PERIVENTRICULAR, 1. Identifiers: Orphanet 2149, Orphanet 82004, MedGen C1848213, MONDO:0010233, OMIM 300049.
Melnick-Needles syndrome (MNS). Also called: Melnick-Needles Syndrome (FLNA-MNS); MELNICK-NEEDLES OSTEODYSPLASTY; OSTEODYSPLASTY OF MELNICK AND NEEDLES. Identifiers: Orphanet 2484, MedGen C0025237, MONDO:0010650, OMIM 309350.
Frontometaphyseal dysplasia (FMD1). Identifiers: Orphanet 1826, MedGen C0265293, MONDO:0015942.

Submission:

Labcorp Genetics (formerly Invitae), Labcorp
Classification: Uncertain significance for Oto-palato-digital syndrome, type II; Heterotopia, periventricular, X-linked dominant; Frontometaphyseal dysplasia; Melnick-Needles syndrome. Last evaluated: 2024-01-17. Review status: criteria provided, single submitter. Criteria: Invitae Variant Classification Sherloc (09022015). Collection method: clinical testing. Allele origin: germline.
Comment: This sequence change replaces glutamine, which is neutral and polar, with leucine, which is neutral and non-polar, at codon 491 of the FLNA protein (p.Gln491Leu). This variant is not present in population databases (gnomAD no frequency). This variant has not been reported in the literature in individuals affected with FLNA-related conditions. Advanced modeling of protein sequence and biophysical properties (such as structural, functional, and spatial information, amino acid conservation, physicochemical variation, residue mobility, and thermodynamic stability) performed at Invitae indicates that this missense variant is not expected to disrupt FLNA protein function with a negative predictive value of 95%. In summary, the available evidence is currently insufficient to determine the role of this variant in disease. Therefore, it has been classified as a Variant of Uncertain Significance.

NM_001110556.2(FLNA):c.1472A>T (p.Gln491Leu)

Gene: FLNA (filamin A; minus strand). Cytogenetic location: Xq28.
Variant type: single nucleotide variant.
Coding change: c.1472A>T on transcript NM_001110556.2 (MANE Select); coding-DNA position 1472, A replaced by T.
Protein change: p.Gln491Leu; replaces glutamine 491 with leucine.
Molecular consequence: missense variant.
Genome position (GRCh38, 1-based): chrX:154,365,444, T>A on the plus strand (A>T on the coding strand, the complement: FLNA is on the minus strand). VCF-style: chrX-154365444-T-A. GRCh37 (hg19) VCF-style: chrX-153593812-T-A.
Other names: c.1472A>T, p.Gln491Leu (NM_001456.4); short protein forms Q491L.
Identifiers: ClinVar variation 2922256 (VCV002922256.3), dbSNP rs201092184, ClinGen allele CA415243499.
Genomic context (GRCh38, chrX:154,365,444, plus strand): 5'-CCAGCGCCCTTTGTGTACACCTTGAAGTCAGCTGTCTCCTTCACCCGCACACCCTTGGGC[T>A]GGAGGCCCCGGCCAACCGCCCGGCAGGCACTCGGGTTACAGGCTGCAGGCAGAGGGGCCA-3'
Protein context (NP_001104026.1, residues 481-501): SACRAVGRGL[Gln491Leu]PKGVRVKETA